The following is an entry in ClinVar:

NM_001035.3(RYR2):c.1331C>T (p.Thr444Ile)

Gene: RYR2 (ryanodine receptor 2; plus strand). Cytogenetic location: 1q43.
Variant type: single nucleotide variant.
Coding change: c.1331C>T on transcript NM_001035.3 (MANE Select); coding-DNA position 1331, C replaced by T.
Protein change: p.Thr444Ile; replaces threonine 444 with isoleucine.
Molecular consequence: missense variant.
Genome position (GRCh38, 1-based): chr1:237,454,429, C>T. VCF-style: chr1-237454429-C-T. GRCh37 (hg19) VCF-style: chr1-237617729-C-T.
Other names: short protein forms T444I.
Identifiers: ClinVar variation 3071092 (VCV003071092.1), dbSNP rs1463875323, ClinGen allele CA345380032.

ClinVar aggregate classification (germline): Uncertain significance (1 of 4 stars; one submission).

Conditions:
Catecholaminergic polymorphic ventricular tachycardia (CVPT). Also called: Catecholamine-induced polymorphic ventricular tachycardia. Identifiers: Orphanet 3286, MedGen C5574922, MONDO:0017990.

Allele frequency attached by ClinVar (database versions not stated): gnomAD exomes 0.00001.
gnomAD v4.1: 5 of 1,612,812 alleles (0.00031%); highest among the groups gnomAD compares: Admixed American, 0.0084%; no homozygotes.

Submission:

All of Us Research Program, National Institutes of Health
Classification: Uncertain significance for Catecholaminergic polymorphic ventricular tachycardia. Last evaluated: 2023-05-16. Review status: criteria provided, single submitter. Criteria: ACMG Guidelines, 2015. Collection method: clinical testing. Allele origin: germline. Inheritance: Autosomal dominant inheritance. Observed: 1 variant allele, 1 heterozygote.
Comment: This missense variant replaces threonine with isoleucine at codon 444 of the RYR2 protein. Computational prediction suggests that this variant may not impact protein structure and function (internally defined REVEL score threshold <= 0.5, PMID: 27666373). To our knowledge, functional studies have not been reported for this variant. This variant has not been reported in individuals affected with RYR2-related disorders in the literature. This variant has been identified in 5/247590 chromosomes in the general population by the Genome Aggregation Database (gnomAD). The available evidence is insufficient to determine the role of this variant in disease conclusively. Therefore, this variant is classified as a Variant of Uncertain Significance.

This study involves interpretation of variants in research participants for the purpose of population health screening. Participant phenotype was not available at the time of variant classification. Additional details can be found in publication PMID: 35346344, PMCID: PMC8962531